The following is an entry in ClinVar:

NM_001128626.2(SPIRE1):c.498T>C (p.Ala166=)

Gene: SPIRE1 (spire type actin nucleation factor 1; minus strand). Cytogenetic location: 18p11.21.
Variant type: single nucleotide variant.
Coding change: c.498T>C on transcript NM_001128626.2 (MANE Select); coding-DNA position 498, T replaced by C.
Protein change: p.Ala166=; no amino-acid change (alanine 166 retained).
Molecular consequence: synonymous variant. On other transcripts: intron variant (1).
Genome position (GRCh38, 1-based): chr18:12,546,779, A>G on the plus strand (T>C on the coding strand, the complement: SPIRE1 is on the minus strand). VCF-style: chr18-12546779-A-G. GRCh37 (hg19) VCF-style: chr18-12546778-A-G.
Other names: c.138T>C, p.Ala46= (NM_001128627.1); c.174T>C, p.Ala58= (NM_001394323.1); c.498T>C, p.Ala166= (NM_020148.3); c.13-11178T>C (NM_001394324.1).
Identifiers: ClinVar variation 2648601 (VCV002648601.24), dbSNP rs148239672, ClinGen allele CA8897615.
Genomic context (GRCh38, chr18:12,546,779, plus strand): 5'-TTCATCTTCATCTCCCAGGCCTTCTTCTGCAGCCTCATAGCCCTCATCATTGCTACCGTC[A>G]GCTTCCACCGTGTTGGCCATGTGATCGATAAGCTGCTCTAGGGGAGGGCTTAATTCCCTT-3'
Protein context (NP_001122098.1, residues 156-176): LIDHMANTVE[Ala166=]DGSNDEGYEA

ClinVar aggregate classification (germline): Likely benign (1 of 4 stars; one submission).

Allele frequency attached by ClinVar (database versions not stated): 1000 Genomes Project 30x 0.00094; 1000 Genomes Project 0.00100; ExAC 0.00142; gnomAD 0.00198; TOPMed 0.00202; ESP Exome Variant Server 0.00208.
gnomAD v4.1: 4,997 of 1,613,898 alleles (0.31%); highest among the groups gnomAD compares: Non-Finnish European, 0.39%; 8 homozygotes.

Submission:

CeGaT Center for Human Genetics Tuebingen
Classification: Likely benign. Last evaluated: 2023-02-01. Review status: criteria provided, single submitter. Criteria: CeGaT Center For Human Genetics Tuebingen Variant Classification Criteria Version 2. Collection method: clinical testing. Allele origin: germline. Affected: yes. Observed: 1 variant allele.
Comment: SPIRE1: BP4, BP7